The following is an entry in ClinVar:

ClinVar aggregate classification (germline): Pathogenic (1 of 4 stars; one submission).

Conditions:
Intellectual developmental disorder, X-linked 19. Also called: Intellectual disability, X-linked 19. Identifiers: Orphanet 777, MedGen C0796225, MONDO:0010447, OMIM 300844.
Coffin-Lowry syndrome (CLS). Also called: COFFIN-LOWRY SYNDROME, MILD; Mental retardation with osteocartilaginous abnormalities. Identifiers: Orphanet 192, MedGen C0265252, MONDO:0010561, OMIM 303600.

Submission:

Labcorp Genetics (formerly Invitae), Labcorp
Classification: Pathogenic for Coffin-Lowry syndrome; Intellectual developmental disorder, X-linked 19. Last evaluated: 2020-06-02. Review status: criteria provided, single submitter. Criteria: Invitae Variant Classification Sherloc (09022015). Collection method: clinical testing. Allele origin: germline.
Comment: For these reasons, this variant has been classified as Pathogenic. Loss-of-function variants in RPS6KA3 are known to be pathogenic (PMID: 9837815, 19888300). This variant has not been reported in the literature in individuals with RPS6KA3-related conditions. This variant is not present in population databases (ExAC no frequency). This sequence change creates a premature translational stop signal (p.Leu84*) in the RPS6KA3 gene. It is expected to result in an absent or disrupted protein product.

Literature cited by the submitters: PubMed 9837815; PubMed 19888300.

NM_004586.3(RPS6KA3):c.251del (p.Phe83_Leu84insTer)

Gene: RPS6KA3 (ribosomal protein S6 kinase A3; minus strand). Cytogenetic location: Xp22.12.
Variant type: Deletion.
Coding change: c.251del on transcript NM_004586.3 (MANE Select); coding-DNA position 251, one base deleted (T; older notation c.251delT).
Protein change: p.Phe83_Leu84insTer.
Molecular consequence: nonsense.
Genome position (GRCh38, 1-based): chrX:20,204,096, A deleted on the plus strand (T on the coding strand, the reverse complement: RPS6KA3 is on the minus strand); the first of 2 consecutive A bases (chrX:20,204,096-20,204,097); deleting either gives the same sequence. VCF-style (leftmost placement, unchanged base first): chrX-20204095-TA-T. GRCh37 (hg19) VCF-style: chrX-20222213-TA-T.
Identifiers: ClinVar variation 1074355 (VCV001074355.7), dbSNP rs2148721944, ClinGen allele CA2499226557.